The following is an entry in ClinVar:

NM_000539.3(RHO):c.*1200T>C

Gene: RHO (rhodopsin; plus strand). Cytogenetic location: 3q22.1.
Variant type: single nucleotide variant.
Coding change: c.*1200T>C on transcript NM_000539.3 (MANE Select); 1200 bases downstream of the stop codon, T replaced by C.
Molecular consequence: 3 prime UTR variant.
Genome position (GRCh38, 1-based): chr3:129,534,918, T>C. VCF-style: chr3-129534918-T-C. GRCh37 (hg19) VCF-style: chr3-129253761-T-C.
Identifiers: ClinVar variation 343308 (VCV000343308.5), dbSNP rs538744995, ClinGen allele CA10617241.

ClinVar aggregate classification (germline): Benign/Likely benign. Review status: criteria provided, single submitter (1 of 4 stars). 2 submissions from 1 submitter: Benign (1); Likely benign (1). Last evaluated 2018-01-13.

Conditions:
Retinitis pigmentosa (RP). Identifiers: Orphanet 791, MedGen C0035334, MeSH D012174, MONDO:0019200, OMIM 268000. Inheritance: Autosomal dominant, autosomal recessive and X linked inheritance.
Congenital stationary night blindness autosomal dominant 1. Also called: NIGHT BLINDNESS, CONGENITAL STATIONARY, RHODOPSIN-RELATED. Identifiers: Orphanet 215, MedGen C1864869, MONDO:0012498, OMIM 610445.

Allele frequency attached by ClinVar (database versions not stated): TOPMed 0.00048; gnomAD 0.00051 and 0.00056; 1000 Genomes Project 30x 0.00062; 1000 Genomes Project 0.00080.

Submissions (2):

Illumina Laboratory Services, Illumina
Classification: Likely benign for Retinitis pigmentosa. Last evaluated: 2018-01-13. Review status: criteria provided, single submitter. Criteria: ICSL Variant Classification Criteria 13 December 2019. Collection method: clinical testing. Allele origin: germline.
Comment: This variant was observed in the ICSL laboratory as part of a predisposition screen in an ostensibly healthy population. It had not been previously curated by ICSL or reported in the Human Gene Mutation Database (HGMD: prior to June 1st, 2018), and was therefore a candidate for classification through an automated scoring system. Utilizing variant allele frequency, disease prevalence and penetrance estimates, and inheritance mode, an automated score was calculated to assess if this variant is too frequent to cause the disease. Based on the score and internal cut-off values, a variant classified as likely benign is not then subjected to further curation. The score for this variant resulted in a classification of likely benign for this disease.

Illumina Laboratory Services, Illumina
Classification: Benign for Congenital stationary night blindness autosomal dominant 1. Last evaluated: 2018-01-13. Review status: criteria provided, single submitter. Criteria: ICSL Variant Classification Criteria 13 December 2019. Collection method: clinical testing. Allele origin: germline.
Comment: This variant was observed in the ICSL laboratory as part of a predisposition screen in an ostensibly healthy population. It had not been previously curated by ICSL or reported in the Human Gene Mutation Database (HGMD: prior to June 1st, 2018), and was therefore a candidate for classification through an automated scoring system. Utilizing variant allele frequency, disease prevalence and penetrance estimates, and inheritance mode, an automated score was calculated to assess if this variant is too frequent to cause the disease. Based on the score and internal cut-off values, a variant classified as benign is not then subjected to further curation. The score for this variant resulted in a classification of benign for this disease.